The following is an entry in ClinVar:

NM_000218.3(KCNQ1):c.1175G>A (p.Trp392Ter)

Gene: KCNQ1 (potassium voltage-gated channel subfamily Q member 1; plus strand). Cytogenetic location: 11p15.5.
Variant type: single nucleotide variant.
Coding change: c.1175G>A on transcript NM_000218.3 (MANE Select); coding-DNA position 1175, G replaced by A.
Protein change: p.Trp392Ter; replaces tryptophan 392 with a stop codon.
Molecular consequence: nonsense.
Genome position (GRCh38, 1-based): chr11:2,587,616, G>A. VCF-style: chr11-2587616-G-A. GRCh37 (hg19) VCF-style: chr11-2608846-G-A.
Other names: c.1079G>A, p.Trp360Ter (NM_001406836.1); c.905G>A, p.Trp302Ter (NM_001406837.1); c.635G>A, p.Trp212Ter (NM_001406838.1); c.794G>A, p.Trp265Ter (NM_181798.2); short protein forms W392*, W265*, W360*, W212*, W302*.
Identifiers: ClinVar variation 405268 (VCV000405268.16), dbSNP rs1060500629, ClinGen allele CA16613564.

ClinVar aggregate classification (germline): Pathogenic. Review status: criteria provided, multiple submitters, no conflicts (2 of 4 stars). 3 submissions from 3 submitters: Pathogenic (3). Last evaluated 2024-05-16.

Conditions:
Jervell and Lange-Nielsen syndrome (JLNS). Also called: Jervell-Lange Nielsen syndrome. Identifiers: Orphanet 90647, MedGen C0022387, MONDO:0002441.
Long QT syndrome (LQTS). Identifiers: MedGen C0023976, MeSH D008133, MONDO:0002442. Disease mechanism: loss of function. Inheritance: Various modes of inheritance.

Submissions (3):

Women's Health and Genetics/Laboratory Corporation of America, LabCorp
Classification: Pathogenic for Jervell and Lange-Nielsen syndrome. Last evaluated: 2024-05-16. Review status: criteria provided, single submitter. Criteria: LabCorp Variant Classification Summary - May 2015. Collection method: clinical testing. Allele origin: germline.
Comment: Variant summary: KCNQ1 c.1175G>A (p.Trp392X) results in a premature termination codon, predicted to cause absence of the protein due to nonsense mediated decay, which is a commonly known mechanism for disease. The variant was absent in 251368 control chromosomes (gnomAD). c.1175G>A has been reported in the literature in an individual affected with Jervell And Lange-Nielsen Syndrome (Zhang_2020). The following publication has been ascertained in the context of this evaluation (PMID: 32830254). ClinVar contains an entry for this variant (Variation ID: 405268). Based on the evidence outlined above, the variant was classified as pathogenic.

Labcorp Genetics (formerly Invitae), Labcorp
Classification: Pathogenic for Long QT syndrome. Last evaluated: 2019-05-07. Review status: criteria provided, single submitter. Criteria: Invitae Variant Classification Sherloc (09022015). Collection method: clinical testing. Allele origin: germline.
Comment: This sequence change creates a premature translational stop signal at codon 392 (p.Trp392*) of the KCNQ1 gene. It is expected to result in an absent or disrupted protein product. While this particular variant has not been reported in the literature, loss-of-function variants in KCNQ1 are known to be pathogenic (PMID: 19862833). For these reasons, this variant has been classified as Pathogenic.

Stanford Center for Inherited Cardiovascular Disease, Stanford University
Classification: Pathogenic. Last evaluated: 2017-03-09. Review status: criteria provided, single submitter. Criteria: ACMG Guidelines, 2015. Collection method: provider interpretation. Allele origin: germline.

Literature cited by the submitters: PubMed 32830254 (cited by Women's Health and Genetics/Laboratory Corporation of America, LabCorp); PubMed 19862833 (cited by Labcorp Genetics (formerly Invitae), Labcorp).